The following is an entry in ClinVar:

ClinVar aggregate classification (germline): Uncertain significance (1 of 4 stars; one submission).

Submission:

Dasa
Classification: Uncertain significance. Last evaluated: 2025-03-21. Review status: criteria provided, single submitter. Criteria: DASA Assertion Criteria. Collection method: clinical testing. Allele origin: germline.
Comment: NM_003737.4(DCHS1):c.3530A>C (p.Tyr1177Ser) is a missense variant that results in the substitution of tyrosine with serine. This variant is absent from population databases. The currently available literature and clinical evidence are not sufficient to establish a definitive association between this variant and the reported condition. Therefore, this variant is classified as a variant of uncertain significance.

NM_003737.4(DCHS1):c.3530A>C (p.Tyr1177Ser)

Gene: DCHS1 (dachsous cadherin-related 1; minus strand). Cytogenetic location: 11p15.4.
Variant type: single nucleotide variant.
Coding change: c.3530A>C on transcript NM_003737.4 (MANE Select); coding-DNA position 3530, A replaced by C.
Protein change: p.Tyr1177Ser; replaces tyrosine 1177 with serine.
Molecular consequence: missense variant.
Genome position (GRCh38, 1-based): chr11:6,631,761, T>G on the plus strand (A>C on the coding strand, the complement: DCHS1 is on the minus strand). VCF-style: chr11-6631761-T-G. GRCh37 (hg19) VCF-style: chr11-6652992-T-G.
Other names: short protein forms Y1177S.
Identifiers: ClinVar variation 4885677 (VCV004885677.2).